The following is an entry in ClinVar:

ClinVar aggregate classification (germline): Uncertain significance (1 of 4 stars; one submission).

Allele frequency attached by ClinVar (database versions not stated): gnomAD exomes below 0.00001 and 0.00001; ExAC 0.00001.
gnomAD v4.1: 3 of 1,611,656 alleles (0.00019%); no homozygotes.

Submission:

GeneDx
Classification: Uncertain significance. Last evaluated: 2020-01-06. Review status: criteria provided, single submitter. Criteria: GeneDx Variant Classification Process June 2021. Collection method: clinical testing. Allele origin: germline. Affected: yes.
Comment: In silico analysis, which includes protein predictors and evolutionary conservation, supports that this variant does not alter protein structure/function; Has not been previously published as pathogenic or benign to our knowledge

NM_017780.4(CHD7):c.6557A>T (p.Lys2186Ile)

Gene: CHD7 (chromodomain helicase DNA binding protein 7; plus strand). Cytogenetic location: 8q12.2.
Variant type: single nucleotide variant.
Coding change: c.6557A>T on transcript NM_017780.4 (MANE Select); coding-DNA position 6557, A replaced by T.
Protein change: p.Lys2186Ile; replaces lysine 2186 with isoleucine.
Molecular consequence: missense variant. On other transcripts: intron variant (1).
Genome position (GRCh38, 1-based): chr8:60,853,282, A>T. VCF-style: chr8-60853282-A-T. GRCh37 (hg19) VCF-style: chr8-61765841-A-T.
Other names: c.1717-8947A>T (NM_001316690.1); short protein forms K2186I.
Identifiers: ClinVar variation 1311800 (VCV001311800.2), dbSNP rs754943887, ClinGen allele CA4760608.